The following is an entry in ClinVar:

ClinVar aggregate classification (germline): Uncertain significance (1 of 4 stars; one submission).

Conditions:
Hereditary cancer-predisposing syndrome. Also called: Neoplastic Syndromes, Hereditary; Tumor predisposition; Hereditary Cancer Syndrome; Hereditary neoplastic syndrome. Identifiers: Orphanet 140162, MedGen C0027672, MeSH D009386, MONDO:0015356.

Submission:

Ambry Genetics
Classification: Uncertain significance for Hereditary cancer-predisposing syndrome. Last evaluated: 2025-12-15. Review status: criteria provided, single submitter. Criteria: Ambry Variant Classification Scheme 2023. Collection method: clinical testing. Allele origin: germline.
Comment: The p.S33T variant (also known as c.97T>A), located in coding exon 1 of the TMEM127 gene, results from a T to A substitution at nucleotide position 97. The serine at codon 33 is replaced by threonine, an amino acid with similar properties. This amino acid position is conserved. In addition, the in silico prediction for this alteration is inconclusive. Based on the available evidence, the clinical significance of this variant remains unclear.

NM_017849.4(TMEM127):c.97T>A (p.Ser33Thr)

Genes: TMEM127 (transmembrane protein 127; minus strand), LOC129934333 (ATAC-STARR-seq lymphoblastoid silent region 11759; plus strand). Cytogenetic location: 2q11.2.
Variant type: single nucleotide variant.
Coding change: c.97T>A on transcript NM_017849.4 (MANE Select); coding-DNA position 97, T replaced by A.
Protein change: p.Ser33Thr; replaces serine 33 with threonine.
Molecular consequence: missense variant. On other transcripts: intron variant (1).
Genome position (GRCh38, 1-based): chr2:96,265,285, A>T on the plus strand (T>A on the coding strand, the complement: TMEM127 is on the minus strand). VCF-style: chr2-96265285-A-T. GRCh37 (hg19) VCF-style: chr2-96931023-A-T.
Other names: c.97T>A, p.Ser33Thr (NM_001193304.3); c.-9+584T>A (NM_001407283.1); short protein forms S33T.
Identifiers: ClinVar variation 4841659 (VCV004841659.1).